The following is an entry in ClinVar:

NM_001182.5(ALDH7A1):c.394-333A>G

Gene: ALDH7A1 (aldehyde dehydrogenase 7 family member A1; minus strand). Cytogenetic location: 5q23.2.
Variant type: single nucleotide variant.
Coding change: c.394-333A>G on transcript NM_001182.5 (MANE Select); 333 bases into the intron before coding-DNA position 394, A replaced by G.
Molecular consequence: intron variant.
Genome position (GRCh38, 1-based): chr5:126,583,307, T>C on the plus strand (A>G on the coding strand, the complement: ALDH7A1 is on the minus strand). VCF-style: chr5-126583307-T-C. GRCh37 (hg19) VCF-style: chr5-125918999-T-C.
Other names: c.394-333A>G (NM_001202404.2); c.310-333A>G (NM_001201377.2).
Identifiers: ClinVar variation 668774 (VCV000668774.1), dbSNP rs12653605, ClinGen allele CA12009626.

ClinVar aggregate classification (germline): Benign (1 of 4 stars; one submission).

Allele frequency attached by ClinVar (database versions not stated): gnomAD 0.45770 and 0.46241; TOPMed 0.48416; 1000 Genomes Project 0.53594; 1000 Genomes Project 30x 0.54138.
gnomAD v4.1: 68,400 of 149,424 alleles (46%); highest among the groups gnomAD compares: African/African-American, 83%; 19,905 homozygotes.

Submission:

GeneDx
Classification: Benign. Last evaluated: 2018-06-18. Review status: criteria provided, single submitter. Criteria: GeneDx Variant Classification (06012015). Collection method: clinical testing. Allele origin: germline. Affected: yes.
Comment: This variant is considered likely benign or benign based on one or more of the following criteria: it is a conservative change, it occurs at a poorly conserved position in the protein, it is predicted to be benign by multiple in silico algorithms, and/or has population frequency not consistent with disease.